The following is an entry in ClinVar:

NM_001369.3(DNAH5):c.2188G>T (p.Glu730Ter)

Genes: DNAH5-AS1 (DNAH5 antisense RNA 1; plus strand), DNAH5 (dynein axonemal heavy chain 5; minus strand). Cytogenetic location: 5p15.2.
Variant type: single nucleotide variant.
Coding change: c.2188G>T on transcript NM_001369.3 (MANE Select); coding-DNA position 2188, G replaced by T.
Protein change: p.Glu730Ter; replaces glutamic acid 730 with a stop codon.
Molecular consequence: nonsense.
Genome position (GRCh38, 1-based): chr5:13,900,277, C>A on the plus strand (G>T on the coding strand, the complement: DNAH5 is on the minus strand). VCF-style: chr5-13900277-C-A. GRCh37 (hg19) VCF-style: chr5-13900386-C-A.
Other names: short protein forms E730*.
Identifiers: ClinVar variation 1726547 (VCV001726547.2), dbSNP rs2547087393, ClinGen allele CA359203466.

ClinVar aggregate classification (germline): Likely pathogenic (1 of 4 stars; one submission).

Conditions:
Primary ciliary dyskinesia 3. Identifiers: Orphanet 244, MedGen C1837618, MONDO:0012085, OMIM 608644.

Submission:

Myriad Genetics, Inc.
Classification: Likely pathogenic for Primary ciliary dyskinesia 3. Last evaluated: 2021-12-20. Review status: criteria provided, single submitter. Criteria: Myriad Women's Health Autosomal Recessive and X-Linked Classification Criteria (2021). Collection method: clinical testing. Allele origin: unknown.
Comment: NM_001369.2(DNAH5):c.2188G>T(E730*) is expected to be pathogenic in the context of DNAH5-related primary ciliary dyskinesia. This variant is predicted to lead to an abnormal or absent protein product due to the creation of a premature termination codon in DNAH5, a gene where loss-of-function variants are known to be pathogenic. Please note: this variant was assessed in the context of healthy population screening.